The following is an entry in ClinVar:

NM_004431.5(EPHA2):c.2903_2904del (p.Gln968fs)

Gene: EPHA2 (EPH receptor A2; minus strand). Cytogenetic location: 1p36.13.
Variant type: Deletion.
Coding change: c.2903_2904del on transcript NM_004431.5 (MANE Select); coding-DNA positions 2903 to 2904, 2 bases deleted (AG; older notation c.2903_2904delAG).
Protein change: p.Gln968fs; shifts the reading frame from glutamine 968.
Molecular consequence: frameshift variant.
Genome position (GRCh38, 1-based): chr1:16,125,242-16,125,243, CT deleted on the plus strand (AG on the coding strand, the reverse complement: EPHA2 is on the minus strand). VCF-style (leftmost placement, unchanged base first): chr1-16125241-CCT-C. GRCh37 (hg19) VCF-style: chr1-16451736-CCT-C.
Other names: c.2741_2742del, p.Gln914fs (NM_001329090.2); short protein forms Q968fs, Q914fs.
Identifiers: ClinVar variation 3661807 (VCV003661807.2).

ClinVar aggregate classification (germline): Pathogenic (1 of 4 stars; one submission).

Conditions:
Cataract 6 multiple types. Also called: CATARACT 6, POSTERIOR POLAR; CATARACT 6, CONGENITAL TOTAL; CATARACT, AGE-RELATED CORTICAL, 2. Identifiers: Orphanet 91492, MedGen C1861825, MONDO:0007288, OMIM 116600.

Submission:

Labcorp Genetics (formerly Invitae), Labcorp
Classification: Pathogenic for Cataract 6 multiple types. Last evaluated: 2024-08-08. Review status: criteria provided, single submitter. Criteria: Invitae Variant Classification Sherloc (09022015). Collection method: clinical testing. Allele origin: germline.
Comment: This sequence change results in a frameshift in the EPHA2 gene (p.Gln968Argfs*44). While this is not anticipated to result in nonsense mediated decay, it is expected to disrupt the last 9 amino acid(s) of the EPHA2 protein and extend the protein by 34 additional amino acid residues. This variant is not present in population databases (gnomAD no frequency). This variant has not been reported in the literature in individuals affected with EPHA2-related conditions. This variant results in an extension of the EPHA2 protein. Other variant(s) that result in a similarly extended protein product (p.Val972Glyfs*40) have been determined to be pathogenic (PMID: 19306328; Invitae). This suggests that these extensions are likely to be disease-causing. For these reasons, this variant has been classified as Pathogenic.

Literature cited by the submitters: PubMed 19306328.